The following is an entry in ClinVar:

NM_005559.4(LAMA1):c.223A>G (p.Asn75Asp)

Gene: LAMA1 (laminin subunit alpha 1; minus strand). Cytogenetic location: 18p11.31.
Variant type: single nucleotide variant.
Coding change: c.223A>G on transcript NM_005559.4 (MANE Select); coding-DNA position 223, A replaced by G.
Protein change: p.Asn75Asp; replaces asparagine 75 with aspartic acid.
Molecular consequence: missense variant.
Genome position (GRCh38, 1-based): chr18:7,080,296, T>C on the plus strand (A>G on the coding strand, the complement: LAMA1 is on the minus strand). VCF-style: chr18-7080296-T-C. GRCh37 (hg19) VCF-style: chr18-7080295-T-C.
Other names: short protein forms N75D.
Identifiers: ClinVar variation 1928875 (VCV001928875.5), dbSNP rs1053517042, ClinGen allele CA295790642.

ClinVar aggregate classification (germline): Uncertain significance (1 of 4 stars; one submission).

Allele frequency attached by ClinVar (database versions not stated): TOPMed 0.00002; gnomAD 0.00003; gnomAD exomes 0.00004.
gnomAD v4.1: 59 of 1,614,126 alleles (0.0037%); highest among the groups gnomAD compares: Non-Finnish European, 0.0049%; no homozygotes.

Submission:

Labcorp Genetics (formerly Invitae), Labcorp
Classification: Uncertain significance. Last evaluated: 2022-09-20. Review status: criteria provided, single submitter. Criteria: Invitae Variant Classification Sherloc (09022015). Collection method: clinical testing. Allele origin: germline.
Comment: Algorithms developed to predict the effect of missense changes on protein structure and function (SIFT, PolyPhen-2, Align-GVGD) all suggest that this variant is likely to be tolerated. In summary, the available evidence is currently insufficient to determine the role of this variant in disease. Therefore, it has been classified as a Variant of Uncertain Significance. This variant has not been reported in the literature in individuals affected with LAMA1-related conditions. This sequence change replaces asparagine, which is neutral and polar, with aspartic acid, which is acidic and polar, at codon 75 of the LAMA1 protein (p.Asn75Asp). This variant is present in population databases (no rsID available, gnomAD 0.002%).